The following is an entry in ClinVar:

NM_000393.5(COL5A2):c.4161G>A (p.Met1387Ile)

Gene: COL5A2 (collagen type V alpha 2 chain; minus strand). Cytogenetic location: 2q32.2.
Variant type: single nucleotide variant.
Coding change: c.4161G>A on transcript NM_000393.5 (MANE Select); coding-DNA position 4161, G replaced by A.
Protein change: p.Met1387Ile; replaces methionine 1387 with isoleucine.
Molecular consequence: missense variant.
Genome position (GRCh38, 1-based): chr2:189,035,108, C>T on the plus strand (G>A on the coding strand, the complement: COL5A2 is on the minus strand). VCF-style: chr2-189035108-C-T. GRCh37 (hg19) VCF-style: chr2-189899834-C-T.
Other names: short protein forms M1387I.
Identifiers: ClinVar variation 958867 (VCV000958867.11), dbSNP rs1424971937, ClinGen allele CA349855204.

ClinVar aggregate classification (germline): Uncertain significance (1 of 4 stars; one submission).

Conditions:
Ehlers-Danlos syndrome, classic type, 1 (EDSCL1). Also called: Ehlers-Danlos syndrome, type 1; EHLERS-DANLOS SYNDROME, GRAVIS TYPE; EHLERS-DANLOS SYNDROME, SEVERE CLASSIC TYPE; EDS I; Ehlers-Danlos Syndrome, Classic Type, COL5A1-Related. Identifiers: MedGen C0268335, MONDO:0019567, OMIM 130000.

Allele frequency attached by ClinVar (database versions not stated): TOPMed below 0.00001.

Submission:

Labcorp Genetics (formerly Invitae), Labcorp
Classification: Uncertain significance for Ehlers-Danlos syndrome, classic type, 1. Last evaluated: 2025-10-20. Review status: criteria provided, single submitter. Criteria: Invitae Variant Classification Sherloc (09022015). Collection method: clinical testing. Allele origin: germline.
Comment: This sequence change replaces methionine, which is neutral and non-polar, with isoleucine, which is neutral and non-polar, at codon 1387 of the COL5A2 protein (p.Met1387Ile). This variant is not present in population databases (gnomAD no frequency). This variant has not been reported in the literature in individuals affected with COL5A2-related conditions. ClinVar contains an entry for this variant (Variation ID: 958867). Invitae Evidence Modeling of protein sequence and biophysical properties (such as structural, functional, and spatial information, amino acid conservation, physicochemical variation, residue mobility, and thermodynamic stability) indicates that this missense variant is not expected to disrupt COL5A2 protein function with a negative predictive value of 80%. In summary, the available evidence is currently insufficient to determine the role of this variant in disease. Therefore, it has been classified as a Variant of Uncertain Significance.